The following is an entry in ClinVar:

ClinVar aggregate classification (germline): Uncertain significance (1 of 4 stars; one submission).

Conditions:
Developmental and epileptic encephalopathy, 31A. Also called: Developmental and epileptic encephalopathy, 31; Epileptic encephalopathy, early infantile, 31. Identifiers: Orphanet 2382, MedGen C4225357, MONDO:0014598, OMIM 616346.

Allele frequency attached by ClinVar (database versions not stated): gnomAD exomes below 0.00001; gnomAD 0.00001 and 0.00002; TOPMed 0.00004.
gnomAD v4.1: 5 of 1,377,732 alleles (0.00036%); highest among the groups gnomAD compares: African/African-American, 0.006%; no homozygotes.

Submission:

Labcorp Genetics (formerly Invitae), Labcorp
Classification: Uncertain significance for Developmental and epileptic encephalopathy, 31A. Last evaluated: 2025-02-24. Review status: criteria provided, single submitter. Criteria: Invitae Variant Classification Sherloc (09022015). Collection method: clinical testing. Allele origin: germline.
Comment: This sequence change replaces valine, which is neutral and non-polar, with isoleucine, which is neutral and non-polar, at codon 843 of the DNM1 protein (p.Val843Ile). This variant is not present in population databases (gnomAD no frequency). This variant has not been reported in the literature in individuals affected with DNM1-related conditions. ClinVar contains an entry for this variant (Variation ID: 1479276). Invitae Evidence Modeling of protein sequence and biophysical properties (such as structural, functional, and spatial information, amino acid conservation, physicochemical variation, residue mobility, and thermodynamic stability) indicates that this missense variant is not expected to disrupt DNM1 protein function with a negative predictive value of 95%. In summary, the available evidence is currently insufficient to determine the role of this variant in disease. Therefore, it has been classified as a Variant of Uncertain Significance.

NM_004408.4(DNM1):c.2527G>A (p.Val843Ile)

Gene: DNM1 (dynamin 1; plus strand). Cytogenetic location: 9q34.11.
Variant type: single nucleotide variant.
Coding change: c.2527G>A on transcript NM_004408.4 (MANE Select); coding-DNA position 2527, G replaced by A.
Protein change: p.Val843Ile; replaces valine 843 with isoleucine.
Molecular consequence: missense variant.
Genome position (GRCh38, 1-based): chr9:128,250,933, G>A. VCF-style: chr9-128250933-G-A. GRCh37 (hg19) VCF-style: chr9-131013212-G-A.
Other names: c.2527G>A, p.Val843Ile (NM_001005336.3, NM_001288737.2, NM_001288738.2 and 2 more transcripts); short protein forms V843I.
Identifiers: ClinVar variation 1479276 (VCV001479276.8), dbSNP rs1006999214, ClinGen allele CA200323439.